The following continues an entry in ClinVar:

NM_001005242.3(PKP2):c.2071C>T (p.Arg691Ter)

Gene: PKP2. ClinVar aggregate classification (germline): Pathogenic. Pathogenic (9).

Submissions 10 to 12 of 12:

PreventionGenetics, part of Exact Sciences
Classification: Pathogenic for PKP2-related condition. Last evaluated: 2024-05-16. Review status: no assertion criteria provided. Collection method: clinical testing. Allele origin: germline. Not counted in ClinVar's aggregate classification.
Comment: The PKP2 c.2203C>T variant is predicted to result in premature protein termination (p.Arg735*). This variant has been reported in several individuals with arrhythmogenic right ventricular cardiomyopathy (ARVC) (see for example, Gerull et al. 2004. PubMed ID: 15489853; Bao et al. 2013. PubMed ID: 24125834) and was found to segregate with disease in one family (Alcalde et al. 2014. PubMed ID: 24967631). Functional studies using transgenic mice demonstrated exercise-induced ARVC (Cruz et al. 2015. PubMed ID: 25857910). This variant is reported in 0.0033% of alleles in individuals of South Asian descent in gnomAD. Nonsense variants in PKP2 are expected to be pathogenic. This variant is interpreted as pathogenic.

Agnes Ginges Centre for Molecular Cardiology, Centenary Institute
Classification: Pathogenic for Arrhythmogenic right ventricular cardiomyopathy. Last evaluated: 2019-06-26. Review status: no assertion criteria provided. Collection method: research. Allele origin: germline. Inheritance: Autosomal dominant inheritance. Affected: yes. Not counted in ClinVar's aggregate classification.
Comment: This variant has been identified as part of our research program. For further information please feel free to contact us.

OMIM
Classification: Pathogenic for ARRHYTHMOGENIC RIGHT VENTRICULAR DYSPLASIA, FAMILIAL, 9. Last evaluated: 2004-11-01. Review status: no assertion criteria provided. Collection method: literature only. Allele origin: germline. Not counted in ClinVar's aggregate classification.

Literature cited by the submitters: PubMed 15489853 (cited by 7 submitters); PubMed 24125834 (cited by 5 submitters); PubMed 24967631 (cited by 6 submitters); PubMed 25857910 (cited by 4 submitters); PubMed 29606362 (cited by Ambry Genetics); PubMed 17041889 (cited by Labcorp Genetics (formerly Invitae), Labcorp); PubMed 23911551 (cited by Labcorp Genetics (formerly Invitae), Labcorp and All of Us Research Program, National Institutes of Health); PubMed 29178656 (cited by Color Diagnostics, LLC DBA Color Health and All of Us Research Program, National Institutes of Health); PubMed 35536239 (cited by Color Diagnostics, LLC DBA Color Health); PubMed 37833253 (cited by Color Diagnostics, LLC DBA Color Health); PubMed 17010805 (cited by All of Us Research Program, National Institutes of Health); PubMed 20031616 (cited by All of Us Research Program, National Institutes of Health); PubMed 20031617 (cited by All of Us Research Program, National Institutes of Health); PubMed 24704780 (cited by All of Us Research Program, National Institutes of Health); PubMed 26743238 (cited by All of Us Research Program, National Institutes of Health); PubMed 28471438 (cited by All of Us Research Program, National Institutes of Health); PubMed 29038103 (cited by All of Us Research Program, National Institutes of Health); PubMed 30385303 (cited by All of Us Research Program, National Institutes of Health); PubMed 31319917 (cited by All of Us Research Program, National Institutes of Health); PubMed 32268277 (cited by All of Us Research Program, National Institutes of Health); PubMed 32389048 (cited by All of Us Research Program, National Institutes of Health); PubMed 34120153 (cited by All of Us Research Program, National Institutes of Health).